The following is an entry in ClinVar:

ClinVar aggregate classification (germline): Likely benign. Review status: criteria provided, multiple submitters, no conflicts (2 of 4 stars). 2 submissions from 2 submitters: Likely benign (2). Last evaluated 2026-06-25.

Conditions:
Severe combined immunodeficiency due to DCLRE1C deficiency (RS-SCID). Also called: SCID, AUTOSOMAL RECESSIVE, T CELL-NEGATIVE, B CELL-NEGATIVE, NK CELL-POSITIVE, WITH SENSITIVITY TO IONIZING RADIATION. Identifiers: Orphanet 275, MedGen C1865371, MONDO:0011225, OMIM 602450.
DCLRE1C-related disorder. Also called: DCLRE1C-related condition.

Submissions (2):

PreventionGenetics, part of Exact Sciences
Classification: Likely benign for DCLRE1C-related condition. Last evaluated: 2026-06-25. Review status: criteria provided, single submitter. Criteria: ACMG Guidelines, 2015. Collection method: clinical testing. Allele origin: germline.
Comment: This variant is classified as likely benign based on ACMG/AMP sequence variant interpretation guidelines (Richards et al. 2015 PMID: 25741868, with internal and published modifications).

Labcorp Genetics (formerly Invitae), Labcorp
Classification: Likely benign for Athabaskan severe combined immunodeficiency. Last evaluated: 2024-04-10. Review status: criteria provided, single submitter. Criteria: Invitae Variant Classification Sherloc (09022015). Collection method: clinical testing. Allele origin: germline.

NM_001033855.3(DCLRE1C):c.492G>A (p.Leu164=)

Gene: DCLRE1C (DNA cross-link repair 1C; minus strand). Cytogenetic location: 10p13.
Variant type: single nucleotide variant.
Coding change: c.492G>A on transcript NM_001033855.3 (MANE Select); coding-DNA position 492, G replaced by A.
Protein change: p.Leu164=; no amino-acid change (leucine 164 retained).
Molecular consequence: synonymous variant. On other transcripts: non-coding transcript variant (4).
Genome position (GRCh38, 1-based): chr10:14,934,748, C>T on the plus strand (G>A on the coding strand, the complement: DCLRE1C is on the minus strand). VCF-style: chr10-14934748-C-T. GRCh37 (hg19) VCF-style: chr10-14976747-C-T.
Other names: c.132G>A, p.Leu44= (NM_001033857.3, NM_001033858.3, NM_001289077.2 and 2 more transcripts); c.147G>A, p.Leu49= (NM_001289076.2, NM_001289078.2, NM_001350966.2 and 1 more transcripts); c.492G>A, p.Leu164= (NM_001350965.2); c.492G>A (NM_001033855.2).
Identifiers: ClinVar variation 3730009 (VCV003730009.3).